The following is an entry in ClinVar:

ClinVar aggregate classification (germline): Uncertain significance. Review status: criteria provided, multiple submitters, no conflicts (2 of 4 stars). 6 submissions from 6 submitters: Uncertain significance (6). Last evaluated 2026-05-12.

Conditions:
Hereditary cancer-predisposing syndrome. Also called: Hereditary neoplastic syndrome; Hereditary Cancer Syndrome; Neoplastic Syndromes, Hereditary; Tumor predisposition. Identifiers: Orphanet 140162, MedGen C0027672, MeSH D009386, MONDO:0015356.
BRIP1-related disorder. Also called: BRIP1-related condition; BRIP1-related disorders. Identifiers: MedGen CN239206.
Familial cancer of breast. Also called: hereditary breast carcinoma; Hereditary breast cancer; BREAST CANCER, FAMILIAL. Identifiers: Orphanet 227535, MedGen C0346153, MONDO:0016419, OMIM 114480. Disease mechanism: loss of function.
Fanconi anemia complementation group J. Also called: BRIP1-Related Fanconi Anemia. Identifiers: Orphanet 84, MedGen C1836860, MONDO:0012187, OMIM 609054.

Allele frequency attached by ClinVar (database versions not stated): TOPMed 0.00002; ESP Exome Variant Server 0.00015.
gnomAD v4.1: 12 of 1,611,958 alleles (0.00074%); highest among the groups gnomAD compares: African/African-American, 0.015%; no homozygotes.

Submissions (6):

PreventionGenetics, part of Exact Sciences
Classification: Uncertain significance for BRIP1-related condition. Last evaluated: 2026-05-12. Review status: criteria provided, single submitter. Criteria: ACMG Guidelines, 2015. Collection method: clinical testing. Allele origin: germline.
Comment: The BRIP1 c.629C>T variant is predicted to result in the amino acid substitution p.Pro210Leu. To our knowledge, this variant has not been reported in the literature. This variant is reported in 0.020% of alleles in individuals of African descent in gnomAD and is reported as uncertain in ClinVar (Variation ID: 530291). At this time, the clinical significance of this variant is uncertain due to the absence of conclusive functional and genetic evidence.

Labcorp Genetics (formerly Invitae), Labcorp
Classification: Uncertain significance for Familial cancer of breast; Fanconi anemia complementation group J. Last evaluated: 2026-01-19. Review status: criteria provided, single submitter. Criteria: Invitae Variant Classification Sherloc (09022015). Collection method: clinical testing. Allele origin: germline.
Comment: This sequence change replaces proline, which is neutral and non-polar, with leucine, which is neutral and non-polar, at codon 210 of the BRIP1 protein (p.Pro210Leu). This variant is present in population databases (rs140097800, gnomAD 0.02%). This variant has not been reported in the literature in individuals affected with BRIP1-related conditions. ClinVar contains an entry for this variant (Variation ID: 530291). Invitae Evidence Modeling of protein sequence and biophysical properties (such as structural, functional, and spatial information, amino acid conservation, physicochemical variation, residue mobility, and thermodynamic stability) indicates that this missense variant is not expected to disrupt BRIP1 protein function with a negative predictive value of 95%. In summary, the available evidence is currently insufficient to determine the role of this variant in disease. Therefore, it has been classified as a Variant of Uncertain Significance.

Baylor Genetics
Classification: Uncertain significance for Familial cancer of breast. Last evaluated: 2024-02-26. Review status: criteria provided, single submitter. Criteria: ACMG Guidelines, 2015. Collection method: clinical testing. Allele origin: unknown.

Ambry Genetics
Classification: Uncertain significance for Hereditary cancer-predisposing syndrome. Last evaluated: 2023-12-15. Review status: criteria provided, single submitter. Criteria: Ambry Variant Classification Scheme 2023. Collection method: clinical testing. Allele origin: germline.
Comment: The p.P210L variant (also known as c.629C>T), located in coding exon 6 of the BRIP1 gene, results from a C to T substitution at nucleotide position 629. The proline at codon 210 is replaced by leucine, an amino acid with similar properties. This amino acid position is not well conserved in available vertebrate species. In addition, this alteration is predicted to be tolerated by in silico analysis. Since supporting evidence is limited at this time, the clinical significance of this alteration remains unclear.

GeneDx
Classification: Uncertain significance. Last evaluated: 2023-09-28. Review status: criteria provided, single submitter. Criteria: GeneDx Variant Classification Process June 2021. Collection method: clinical testing. Allele origin: germline. Affected: yes.
Comment: Not observed at significant frequency in large population cohorts (gnomAD); In silico analysis supports that this missense variant does not alter protein structure/function; Has not been previously published as pathogenic or benign to our knowledge

Color Diagnostics, LLC DBA Color Health
Classification: Uncertain significance for Hereditary cancer-predisposing syndrome. Last evaluated: 2019-03-16. Review status: criteria provided, single submitter. Criteria: ACMG Guidelines, 2015. Collection method: clinical testing. Allele origin: germline.

NM_032043.3(BRIP1):c.629C>T (p.Pro210Leu)

Gene: BRIP1 (BRCA1 interacting DNA helicase 1; minus strand). Cytogenetic location: 17q23.2.
Variant type: single nucleotide variant.
Coding change: c.629C>T on transcript NM_032043.3 (MANE Select); coding-DNA position 629, C replaced by T.
Protein change: p.Pro210Leu; replaces proline 210 with leucine.
Molecular consequence: missense variant.
Genome position (GRCh38, 1-based): chr17:61,808,756, G>A on the plus strand (C>T on the coding strand, the complement: BRIP1 is on the minus strand). VCF-style: chr17-61808756-G-A. GRCh37 (hg19) VCF-style: chr17-59886117-G-A.
Other names: short protein forms P210L.
Identifiers: ClinVar variation 530291 (VCV000530291.24), dbSNP rs140097800, ClinGen allele CA8690873.